The following is an entry in ClinVar:

NM_004304.5(ALK):c.350C>G (p.Pro117Arg)

Gene: ALK (ALK receptor tyrosine kinase; minus strand). Cytogenetic location: 2p23.1.
Variant type: single nucleotide variant.
Coding change: c.350C>G on transcript NM_004304.5 (MANE Select); coding-DNA position 350, C replaced by G.
Protein change: p.Pro117Arg; replaces proline 117 with arginine.
Molecular consequence: missense variant.
Genome position (GRCh38, 1-based): chr2:29,920,310, G>C on the plus strand (C>G on the coding strand, the complement: ALK is on the minus strand). VCF-style: chr2-29920310-G-C. GRCh37 (hg19) VCF-style: chr2-30143176-G-C.
Other names: short protein forms P117R.
Identifiers: ClinVar variation 470832 (VCV000470832.17), dbSNP rs201290745, ClinGen allele CA1594997.

ClinVar aggregate classification (germline): Conflicting classifications of pathogenicity. Review status: criteria provided, conflicting classifications (1 of 4 stars). 6 submissions from 6 submitters: Uncertain significance (5); Likely benign (1). Last evaluated 2026-01-31.

Conditions:
Hereditary cancer-predisposing syndrome. Also called: Neoplastic Syndromes, Hereditary; Tumor predisposition; Hereditary neoplastic syndrome; Hereditary Cancer Syndrome. Identifiers: Orphanet 140162, MedGen C0027672, MeSH D009386, MONDO:0015356.
Neuroblastoma, susceptibility to, 3. Also called: ALK-Related Neuroblastic Tumor Susceptibility. Identifiers: Orphanet 635, MedGen C2751681, MONDO:0013083, OMIM 613014.

Allele frequency attached by ClinVar (database versions not stated): ExAC 0.00010; gnomAD exomes 0.00005; TOPMed 0.00012; 1000 Genomes Project 30x 0.00016; 1000 Genomes Project 0.00020.
gnomAD v4.1: 309 of 1,559,256 alleles (0.02%); highest among the groups gnomAD compares: Non-Finnish European, 0.025%; no homozygotes.

Submissions (6):

Labcorp Genetics (formerly Invitae), Labcorp
Classification: Uncertain significance for Neuroblastoma, susceptibility to, 3. Last evaluated: 2026-01-31. Review status: criteria provided, single submitter. Criteria: Invitae Variant Classification Sherloc (09022015). Collection method: clinical testing. Allele origin: germline.
Comment: This sequence change replaces proline, which is neutral and non-polar, with arginine, which is basic and polar, at codon 117 of the ALK protein (p.Pro117Arg). This variant is present in population databases (rs201290745, gnomAD 0.01%). This variant has not been reported in the literature in individuals affected with ALK-related conditions. ClinVar contains an entry for this variant (Variation ID: 470832). An algorithm developed to predict the effect of missense changes on protein structure and function (PolyPhen-2) suggests that this variant is likely to be tolerated. In summary, the available evidence is currently insufficient to determine the role of this variant in disease. Therefore, it has been classified as a Variant of Uncertain Significance.

GeneDx
Classification: Uncertain significance. Last evaluated: 2025-04-24. Review status: criteria provided, single submitter. Criteria: GeneDx Variant Classification Process June 2021. Collection method: clinical testing. Allele origin: germline.
Comment: In silico analysis indicates that this missense variant does not alter protein structure/function; Observed in an individual with osteosarcoma (PMID: 26580448); This variant is associated with the following publications: (PMID: 26580448)

Ambry Genetics
Classification: Likely benign for Hereditary cancer-predisposing syndrome. Last evaluated: 2024-12-03. Review status: criteria provided, single submitter. Criteria: Ambry Variant Classification Scheme 2023. Collection method: clinical testing. Allele origin: germline.

Baylor Genetics
Classification: Uncertain significance for Neuroblastoma, susceptibility to, 3. Last evaluated: 2023-09-21. Review status: criteria provided, single submitter. Criteria: ACMG Guidelines, 2015. Collection method: clinical testing. Allele origin: unknown.

St. Jude Molecular Pathology, St. Jude Children's Research Hospital
Classification: Uncertain significance for Neuroblastoma, susceptibility to, 3. Last evaluated: 2023-03-27. Review status: criteria provided, single submitter. Criteria: St. Jude Assertion Criteria 2020. Collection method: clinical testing. Allele origin: germline.
Comment: The ALK c.350C>G (p.Pro117Arg) missense change has a maximum subpopulation frequency of 0.012% in gnomAD v2.1.1. The in silico tool REVEL predicts a benign effect on protein function, but to our knowledge this prediction has not been confirmed by functional studies. To our knowledge, this variant has not been reported in the literature in individuals with ALK-related neuroblastic tumor susceptibility. In summary, the evidence currently available is insufficient to determine the clinical significance of this variant. It has therefore been classified as of uncertain significance.

Sema4
Classification: Uncertain significance for Hereditary cancer-predisposing syndrome. Last evaluated: 2021-09-03. Review status: criteria provided, single submitter. Criteria: Sema4 Curation Guidelines. Collection method: curation. Allele origin: germline.
Comment: The ALK c.350C>G (p.P117R) variant has not been reported in the literature in individuals with ALK-related disease. It was observed in 12/188084 chromosomes in the large and broad cohorts of the Genome Aggregation Database. This variant has been reported in ClinVar (Variation ID 470832). In silico tools suggest the impact of the variant on protein function is benign, though these predictions have not been confirmed by functional studies. The evidence is insufficient to meet ACMG/AMP criteria for classifying the variant as benign or pathogenic. Thus, the clinical significance of this variant is currently uncertain.

Literature cited by the submitters: PubMed 26580448 (cited by Ambry Genetics).